The following is an entry in ClinVar:

NM_014979.4(SV2C):c.1232G>A (p.Arg411His)

Gene: SV2C (synaptic vesicle glycoprotein 2C; plus strand). Cytogenetic location: 5q13.3.
Variant type: single nucleotide variant.
Coding change: c.1232G>A on transcript NM_014979.4 (MANE Select); coding-DNA position 1232, G replaced by A.
Protein change: p.Arg411His; replaces arginine 411 with histidine.
Molecular consequence: missense variant.
Genome position (GRCh38, 1-based): chr5:76,291,315, G>A. VCF-style: chr5-76291315-G-A. GRCh37 (hg19) VCF-style: chr5-75587140-G-A.
Other names: c.1232G>A, p.Arg411His (NM_001297716.2); short protein forms R411H.
Identifiers: ClinVar variation 3049678 (VCV003049678.2), dbSNP rs190593094, ClinGen allele CA3311200.

ClinVar aggregate classification (germline): Benign (0 of 4 stars; one submission).

Conditions:
SV2C-related disorder. Also called: SV2C-related condition.

Allele frequency attached by ClinVar (database versions not stated): 1000 Genomes Project 0.00240; 1000 Genomes Project 30x 0.00265; ESP Exome Variant Server 0.00283.
gnomAD v4.1: 832 of 1,610,066 alleles (0.052%); highest among the groups gnomAD compares: African/African-American, 1%; 5 homozygotes.

Submission:

PreventionGenetics, part of Exact Sciences
Classification: Benign for SV2C-related condition. Last evaluated: 2019-03-18. Review status: no assertion criteria provided. Collection method: clinical testing. Allele origin: germline.
Comment: This variant is classified as benign based on ACMG/AMP sequence variant interpretation guidelines (Richards et al. 2015 PMID: 25741868, with internal and published modifications).